The following is an entry in ClinVar:

NM_017934.7(PHIP):c.1126A>G (p.Thr376Ala)

Gene: PHIP (PHIP subunit of CUL4-Ring ligase complex; minus strand). Cytogenetic location: 6q14.1.
Variant type: single nucleotide variant.
Coding change: c.1126A>G on transcript NM_017934.7 (MANE Select); coding-DNA position 1126, A replaced by G.
Protein change: p.Thr376Ala; replaces threonine 376 with alanine.
Molecular consequence: missense variant.
Genome position (GRCh38, 1-based): chr6:79,017,356, T>C on the plus strand (A>G on the coding strand, the complement: PHIP is on the minus strand). VCF-style: chr6-79017356-T-C. GRCh37 (hg19) VCF-style: chr6-79727073-T-C.
Other names: short protein forms T376A.
Identifiers: ClinVar variation 4994214 (VCV004994214.1).

ClinVar aggregate classification (germline): Uncertain significance (1 of 4 stars; one submission).

Conditions:
PHIP-related disorder. Also called: PHIP-related disorders; PHIP-related condition.

Submission:

PreventionGenetics, part of Exact Sciences
Classification: Uncertain significance for PHIP-related condition. Last evaluated: 2026-09-24. Review status: criteria provided, single submitter. Criteria: ACMG Guidelines, 2015. Collection method: clinical testing. Allele origin: germline.
Comment: The PHIP c.1126A>G variant is predicted to result in the amino acid substitution p.Thr376Ala. To our knowledge, this variant has not been reported in the literature. This variant is reported in 0.0065% of alleles in individuals of European (Non-Finnish) descent in gnomAD. At this time, the clinical significance of this variant is uncertain due to the absence of conclusive functional and genetic evidence.